The following is an entry in ClinVar:

NC_000017.11:g.70166313_70176696dup

Genes: KCNJ2 (potassium inwardly rectifying channel subfamily J member 2; plus strand), KCNJ2-AS1 (KCNJ2 antisense RNA 1; minus strand), LOC130061539 (ATAC-STARR-seq lymphoblastoid silent region 8907; plus strand). Cytogenetic location: 17q24.3.
Variant type: Duplication.
Identifiers: ClinVar variation 1342469 (VCV001342469.2).

ClinVar aggregate classification (germline): Uncertain significance (1 of 4 stars; one submission).

Submission:

New York Genome Center
Classification: Uncertain significance. Last evaluated: 2021-02-19. Review status: criteria provided, single submitter. Criteria: NYGC Assertion Criteria 2020. Collection method: clinical testing. Allele origin: inherited. Observed: 1 variant allele. Study: CSER-NYCKidSeq.
Comment: The chromosome 17 duplication is a 10.4KB duplication that includes the entire KCNJ2-AS1 gene, as well as the entire translated region and part of the 3’UTR of the KCNJ2 gene. The telomeric breakpoint of the duplication lies within the 3’UTR of the canonical KCNJ2 transcript (NM_000891.2) at nucleotide*373 (of *3721). KCNJ2-AS1 is not currently an OMIM associated gene. KCNJ2 (Potassium Channel, Inwardly Rectifying, Subfamily J, Member 2; MIM#600681) is associated with several cardiac arrhythmia disorders including autosomal dominant Atrial fibrillation, familial9 (MIM#613980) and Short QT syndrome (MIM#609622). Specific dominant-negative variants in KCNJ2 are also associated with Andersen syndrome (MIM#170390), which is an incompletely penetrant disorder [PMID:20301441]. Both loss-of-function [PMID:15276028; PMID:22589293; PMID:17341397, others] as well as gain-of-function [PMID:22155372; PMID:15922306, others] mechanisms have been proposed for KCNJ2 associated disease. Duplications of KCNJ2 are absent in gnomAD and are not found in the Database of Genomic Variants (DGV), suggesting this is not a common benign variant in the populations represented in those databases. While a duplication identical to this is absent from ClinVar, a larger duplication containing KCNJ2-AS1 and KCNJ2 as well as non-disease associated genes KCNJ16 and LOC108021840 is reported as a Variant of Uncertain Significance (VarID:60172). To our current knowledge, duplications of KCNJ2 have not been reported in the literature in affected individuals. Given its uncertain functional consequence, the inherited chromosome 17 (Chr17:70166313_70176696) duplication is reported as a Variant of Uncertain Significance.